The following is an entry in ClinVar:

NM_201253.3(CRB1):c.1208C>G (p.Ser403Ter)

Gene: CRB1 (crumbs cell polarity complex component 1; plus strand). Cytogenetic location: 1q31.3.
Variant type: single nucleotide variant.
Coding change: c.1208C>G on transcript NM_201253.3 (MANE Select); coding-DNA position 1208, C replaced by G.
Protein change: p.Ser403Ter; replaces serine 403 with a stop codon.
Molecular consequence: nonsense. On other transcripts: non-coding transcript variant (2).
Genome position (GRCh38, 1-based): chr1:197,421,036, C>G. VCF-style: chr1-197421036-C-G. GRCh37 (hg19) VCF-style: chr1-197390166-C-G.
Other names: c.872C>G, p.Ser291Ter (NM_001193640.2); c.1001C>G, p.Ser334Ter (NM_001257965.2); c.1208C>G, p.Ser403Ter (NM_001257966.2); short protein forms S403*, S334*, S291*.
Identifiers: ClinVar variation 99867 (VCV000099867.5), dbSNP rs62645746, ClinGen allele CA227988.

ClinVar aggregate classification (germline): Pathogenic. Review status: criteria provided, multiple submitters, no conflicts (2 of 4 stars). 3 submissions from 3 submitters: Pathogenic (2). 1 of the submissions does not count toward it. Last evaluated 2024-01-25.

Conditions:
Retinitis pigmentosa 12 (RP12). Also called: RP WITH OR WITHOUT PRESERVED PARAARTERIOLE RETINAL PIGMENT EPITHELIUM; RETINITIS PIGMENTOSA WITH OR WITHOUT PARAARTERIOLAR PRESERVATION OF RETINAL PIGMENT EPITHELIUM; RP WITH OR WITHOUT PPRPE. Identifiers: Orphanet 791, MedGen C1838647, MONDO:0010818, OMIM 600105.
Leber congenital amaurosis 8 (LCA8). Identifiers: Orphanet 65, MedGen C3151202, MONDO:0013453, OMIM 613835.

Submissions (3):

Labcorp Genetics (formerly Invitae), Labcorp
Classification: Pathogenic for Leber congenital amaurosis 8; Retinitis pigmentosa 12. Last evaluated: 2024-01-25. Review status: criteria provided, single submitter. Criteria: Invitae Variant Classification Sherloc (09022015). Collection method: clinical testing. Allele origin: germline.
Comment: This sequence change creates a premature translational stop signal (p.Ser403*) in the CRB1 gene. It is expected to result in an absent or disrupted protein product. Loss-of-function variants in CRB1 are known to be pathogenic (PMID: 10508521, 22065545, 23379534, 25412400, 26957898, 28041643, 29391521). This variant is not present in population databases (gnomAD no frequency). This premature translational stop signal has been observed in individual(s) with CRB1-related conditions (PMID: 10508521, 29145603). ClinVar contains an entry for this variant (Variation ID: 99867). For these reasons, this variant has been classified as Pathogenic.

Baylor Genetics
Classification: Pathogenic for Leber congenital amaurosis 8. Last evaluated: 2023-08-02. Review status: criteria provided, single submitter. Criteria: ACMG Guidelines, 2015. Collection method: clinical testing. Allele origin: unknown.

Retina International
No classification provided. Review status: no classification provided. Collection method: not provided. Allele origin: not provided. Not counted in ClinVar's aggregate classification.

Literature cited by the submitters: PubMed 10508521 (cited by Labcorp Genetics (formerly Invitae), Labcorp); PubMed 22065545 (cited by Labcorp Genetics (formerly Invitae), Labcorp); PubMed 23379534 (cited by Labcorp Genetics (formerly Invitae), Labcorp); PubMed 25412400 (cited by Labcorp Genetics (formerly Invitae), Labcorp); PubMed 26957898 (cited by Labcorp Genetics (formerly Invitae), Labcorp); PubMed 28041643 (cited by Labcorp Genetics (formerly Invitae), Labcorp); PubMed 29391521 (cited by Labcorp Genetics (formerly Invitae), Labcorp); PubMed 29145603 (cited by Labcorp Genetics (formerly Invitae), Labcorp).